The following is an entry in ClinVar:

ClinVar aggregate classification (germline): Uncertain significance. Review status: criteria provided, multiple submitters, no conflicts (2 of 4 stars). 2 submissions from 2 submitters: Uncertain significance (2). Last evaluated 2025-09-26.

Conditions:
Inborn genetic diseases. Identifiers: MedGen C0950123, MeSH D030342.
Primary ciliary dyskinesia. Also called: Ciliary dyskinesia. Identifiers: Orphanet 244, MedGen C0008780, MONDO:0016575, HP:0012265.

Allele frequency attached by ClinVar (database versions not stated): gnomAD exomes 0.00004 and 0.00005; TOPMed 0.00005; ExAC 0.00006; gnomAD 0.00006 and 0.00007; ESP Exome Variant Server 0.00008; 1000 Genomes Project 30x 0.00016; 1000 Genomes Project 0.00020.
gnomAD v4.1: 72 of 1,613,962 alleles (0.0045%); highest among the groups gnomAD compares: East Asian, 0.036%; no homozygotes.

Submissions (2):

Ambry Genetics
Classification: Uncertain significance for Inborn genetic diseases. Last evaluated: 2025-09-26. Review status: criteria provided, single submitter. Criteria: Ambry Variant Classification Scheme 2023. Collection method: clinical testing. Allele origin: germline.

Labcorp Genetics (formerly Invitae), Labcorp
Classification: Uncertain significance for Primary ciliary dyskinesia. Last evaluated: 2022-04-07. Review status: criteria provided, single submitter. Criteria: Invitae Variant Classification Sherloc (09022015). Collection method: clinical testing. Allele origin: germline.
Comment: This sequence change replaces valine, which is neutral and non-polar, with isoleucine, which is neutral and non-polar, at codon 104 of the RSPH1 protein (p.Val104Ile). This variant is present in population databases (rs373683028, gnomAD 0.03%). This variant has not been reported in the literature in individuals affected with RSPH1-related conditions. ClinVar contains an entry for this variant (Variation ID: 579714). Algorithms developed to predict the effect of missense changes on protein structure and function output the following: SIFT: "Tolerated"; PolyPhen-2: "Benign"; Align-GVGD: "Class C0". The isoleucine amino acid residue is found in multiple mammalian species, which suggests that this missense change does not adversely affect protein function. In summary, the available evidence is currently insufficient to determine the role of this variant in disease. Therefore, it has been classified as a Variant of Uncertain Significance.

NM_080860.4(RSPH1):c.310G>A (p.Val104Ile)

Gene: RSPH1 (radial spoke head component 1; minus strand). Cytogenetic location: 21q22.3.
Variant type: single nucleotide variant.
Coding change: c.310G>A on transcript NM_080860.4 (MANE Select); coding-DNA position 310, G replaced by A.
Protein change: p.Val104Ile; replaces valine 104 with isoleucine.
Molecular consequence: missense variant.
Genome position (GRCh38, 1-based): chr21:42,486,426, C>T on the plus strand (G>A on the coding strand, the complement: RSPH1 is on the minus strand). VCF-style: chr21-42486426-C-T. GRCh37 (hg19) VCF-style: chr21-43906536-C-T.
Other names: c.196G>A, p.Val66Ile (NM_001286506.2); c.310G>A (NM_080860.2); short protein forms V104I, V66I.
Identifiers: ClinVar variation 579714 (VCV000579714.6), dbSNP rs373683028, ClinGen allele CA10043982.